The following is an entry in ClinVar:

ClinVar aggregate classification (germline): Uncertain significance. Review status: criteria provided, multiple submitters, no conflicts (2 of 4 stars). 6 submissions from 6 submitters: Uncertain significance (5). 1 of the submissions does not count toward it. Last evaluated 2025-02-09.

Conditions:
Fanconi anemia complementation group A (FANCA). Also called: FANCA-Related Fanconi Anemia; Fanconi anemia, group A. Identifiers: Orphanet 84, MedGen C3469521, MONDO:0009215, OMIM 227650.
Fanconi anemia (FA). Also called: Fanconi's anemia. Identifiers: Orphanet 84, MedGen C0015625, MeSH D005199, MONDO:0019391.
Inborn genetic diseases. Identifiers: MedGen C0950123, MeSH D030342.

Allele frequency attached by ClinVar (database versions not stated): gnomAD exomes below 0.00001 and 0.00001; TOPMed 0.00002; gnomAD 0.00003.
gnomAD v4.1: 6 of 1,614,038 alleles (0.00037%); highest among the groups gnomAD compares: African/African-American, 0.0053%; no homozygotes.

Submissions (6):

Labcorp Genetics (formerly Invitae), Labcorp
Classification: Uncertain significance for Fanconi anemia. Last evaluated: 2025-02-09. Review status: criteria provided, single submitter. Criteria: Invitae Variant Classification Sherloc (09022015). Collection method: clinical testing. Allele origin: germline.
Comment: This sequence change replaces serine, which is neutral and polar, with isoleucine, which is neutral and non-polar, at codon 1374 of the FANCA protein (p.Ser1374Ile). This variant is present in population databases (no rsID available, gnomAD 0.007%). This variant has not been reported in the literature in individuals affected with FANCA-related conditions. ClinVar contains an entry for this variant (Variation ID: 836782). Invitae Evidence Modeling of protein sequence and biophysical properties (such as structural, functional, and spatial information, amino acid conservation, physicochemical variation, residue mobility, and thermodynamic stability) indicates that this missense variant is not expected to disrupt FANCA protein function with a negative predictive value of 95%. In summary, the available evidence is currently insufficient to determine the role of this variant in disease. Therefore, it has been classified as a Variant of Uncertain Significance.

Ambry Genetics
Classification: Uncertain significance for Inborn genetic diseases. Last evaluated: 2025-01-03. Review status: criteria provided, single submitter. Criteria: Ambry Variant Classification Scheme 2023. Collection method: clinical testing. Allele origin: germline.
Comment: The p.S1374I variant (also known as c.4121G>T), located in coding exon 41 of the FANCA gene, results from a G to T substitution at nucleotide position 4121. The serine at codon 1374 is replaced by isoleucine, an amino acid with dissimilar properties. This amino acid position is conserved. In addition, this alteration is predicted to be tolerated by in silico analysis. Based on the available evidence, the clinical significance of this variant remains unclear.

Quest Diagnostics Nichols Institute San Juan Capistrano
Classification: Uncertain significance. Last evaluated: 2024-07-09. Review status: criteria provided, single submitter. Criteria: Quest Diagnostics criteria. Collection method: clinical testing. Allele origin: unknown.
Comment: The FANCA c.4121G>T (p.Ser1374Ile) variant has not been reported in individuals with FANCA-related conditions in the published literature. The frequency of this variant in the general population, 0.000008 (2/250918 chromosomes (Genome Aggregation Database)), is uninformative in the assessment of its pathogenicity. Analysis of this variant using bioinformatics tools for the prediction of the effect of amino acid changes on protein structure and function yielded predictions that this variant is benign. Based on the available information, we are unable to determine the clinical significance of this variant.

Fulgent Genetics
Classification: Uncertain significance for Fanconi anemia complementation group A. Last evaluated: 2022-04-28. Review status: criteria provided, single submitter. Criteria: ACMG Guidelines, 2015. Collection method: clinical testing. Allele origin: unknown.

Baylor Genetics
Classification: Uncertain significance for Fanconi anemia complementation group A. Last evaluated: 2018-08-16. Review status: criteria provided, single submitter. Criteria: ACMG Guidelines, 2015. Collection method: clinical testing. Allele origin: unknown. Affected: yes.
Comment: This variant was determined to be of uncertain significance according to ACMG Guidelines, 2015 [PMID:25741868].

Natera, Inc.
Classification: Uncertain significance for Fanconi anemia. Last evaluated: 2020-08-11. Review status: no assertion criteria provided. Collection method: clinical testing. Allele origin: germline. Not counted in ClinVar's aggregate classification.

NM_000135.4(FANCA):c.4121G>T (p.Ser1374Ile)

Genes: FANCA (FA complementation group A; minus strand), ZNF276 (zinc finger protein 276; plus strand). Cytogenetic location: 16q24.3.
Variant type: single nucleotide variant.
Coding change: c.4121G>T on transcript NM_000135.4 (MANE Select); coding-DNA position 4121, G replaced by T.
Protein change: p.Ser1374Ile; replaces serine 1374 with isoleucine.
Molecular consequence: missense variant. On other transcripts: 3 prime UTR variant (2), non-coding transcript variant (4).
Genome position (GRCh38, 1-based): chr16:89,739,179, C>A on the plus strand (G>T on the coding strand, the complement: FANCA is on the minus strand). VCF-style: chr16-89739179-C-A. GRCh37 (hg19) VCF-style: chr16-89805587-C-A.
Other names: c.4121G>T, p.Ser1374Ile (NM_001286167.3); c.*933C>A (NM_001113525.2, NM_152287.4); c.4121G>T (NM_000135.3); short protein forms S1374I.
Identifiers: ClinVar variation 836782 (VCV000836782.16), dbSNP rs1254151716, ClinGen allele CA397484342.
Genomic context (GRCh38, chr16:89,739,179, plus strand): 5'-GCCCTTGCACCTGCCTGACCCTTGAGCTCCAGGCTCCTGCCAGCTGGAGGTGAAACTGTG[C>A]TTGTATCCCCAGCCACGAAGAGCTGGACCAGCTTCAAGTACATGTCCACAGCAACATGCA-3'
Protein context (NP_000126.2, residues 1364-1384): LVQLFVAGDT[Ser1374Ile]TVSPPAGRSL